The following is an entry in ClinVar:

ClinVar aggregate classification (germline): Uncertain significance (1 of 4 stars; one submission).

Submission:

Labcorp Genetics (formerly Invitae), Labcorp
Classification: Uncertain significance. Last evaluated: 2022-07-13. Review status: criteria provided, single submitter. Criteria: Invitae Variant Classification Sherloc (09022015). Collection method: clinical testing. Allele origin: germline.
Comment: This sequence change replaces leucine, which is neutral and non-polar, with serine, which is neutral and polar, at codon 242 of the NDUFAF7 protein (p.Leu242Ser). This variant is not present in population databases (gnomAD no frequency). This variant has not been reported in the literature in individuals affected with NDUFAF7-related conditions. Algorithms developed to predict the effect of missense changes on protein structure and function (SIFT, PolyPhen-2, Align-GVGD) all suggest that this variant is likely to be disruptive. In summary, the available evidence is currently insufficient to determine the role of this variant in disease. Therefore, it has been classified as a Variant of Uncertain Significance.

NM_144736.5(NDUFAF7):c.1019T>C (p.Leu340Ser)

Gene: NDUFAF7 (NADH:ubiquinone oxidoreductase complex assembly factor 7; plus strand). Cytogenetic location: 2p22.2.
Variant type: single nucleotide variant.
Coding change: c.1019T>C on transcript NM_144736.5 (MANE Select); coding-DNA position 1019, T replaced by C.
Protein change: p.Leu340Ser; replaces leucine 340 with serine.
Molecular consequence: missense variant. On other transcripts: non-coding transcript variant (10).
Genome position (GRCh38, 1-based): chr2:37,247,538, T>C. VCF-style: chr2-37247538-T-C. GRCh37 (hg19) VCF-style: chr2-37474681-T-C.
Other names: c.725T>C, p.Leu242Ser (NM_001083946.2); c.1019T>C, p.Leu340Ser (NM_001350024.2); c.938T>C, p.Leu313Ser (NM_001350025.2); c.806T>C, p.Leu269Ser (NM_001350027.2); short protein forms L269S, L313S, L340S, L242S.
Identifiers: ClinVar variation 1964186 (VCV001964186.5), dbSNP rs2465325330, ClinGen allele CA346313588.